The following is an entry in ClinVar:

ClinVar aggregate classification (germline): Likely pathogenic (1 of 4 stars; one submission).

Submission:

Labcorp Genetics (formerly Invitae), Labcorp
Classification: Likely pathogenic. Last evaluated: 2025-10-25. Review status: criteria provided, single submitter. Criteria: Invitae Variant Classification Sherloc (09022015). Collection method: clinical testing. Allele origin: germline.
Comment: This sequence change affects an acceptor splice site in intron 5 of the DPYS gene. It is expected to disrupt RNA splicing. Variants that disrupt the donor or acceptor splice site typically lead to a loss of protein function (PMID: 16199547), and loss-of-function variants in DPYS are known to be pathogenic (PMID: 20362666). This variant is not present in population databases (gnomAD no frequency). This variant has not been reported in the literature in individuals affected with DPYS-related conditions. Algorithms developed to predict the effect of sequence changes on RNA splicing suggest that this variant may disrupt the consensus splice site. In summary, the currently available evidence indicates that the variant is pathogenic, but additional data are needed to prove that conclusively. Therefore, this variant has been classified as Likely Pathogenic.

Literature cited by the submitters: PubMed 16199547; PubMed 20362666.

NM_001385.3(DPYS):c.951-2A>G

Gene: DPYS (dihydropyrimidinase; minus strand). Cytogenetic location: 8q22.3.
Variant type: single nucleotide variant.
Coding change: c.951-2A>G on transcript NM_001385.3 (MANE Select); the canonical splice acceptor site of the intron before coding-DNA position 951, A replaced by G.
Molecular consequence: splice acceptor variant.
Genome position (GRCh38, 1-based): chr8:104,428,123, T>C on the plus strand (A>G on the coding strand, the complement: DPYS is on the minus strand). VCF-style: chr8-104428123-T-C. GRCh37 (hg19) VCF-style: chr8-105440351-T-C.
Identifiers: ClinVar variation 4763156 (VCV004763156.1).